The following is an entry in ClinVar:

NM_001371596.2(MFSD8):c.68G>A (p.Trp23Ter)

Gene: MFSD8 (major facilitator superfamily domain containing 8; minus strand). Cytogenetic location: 4q28.2.
Variant type: single nucleotide variant.
Coding change: c.68G>A on transcript NM_001371596.2 (MANE Select); coding-DNA position 68, G replaced by A.
Protein change: p.Trp23Ter; replaces tryptophan 23 with a stop codon.
Molecular consequence: nonsense. On other transcripts: 5 prime UTR variant (3).
Genome position (GRCh38, 1-based): chr4:127,957,587, C>T on the plus strand (G>A on the coding strand, the complement: MFSD8 is on the minus strand). VCF-style: chr4-127957587-C-T. GRCh37 (hg19) VCF-style: chr4-128878742-C-T.
Other names: NM_152778.4:c.68G>A; c.68G>A, p.Trp23Ter (NM_001363520.3, NM_001363521.3, NM_001371591.2 and 5 more transcripts); c.-68G>A (NM_001371590.2, NM_001371595.1, NM_001410765.1); short protein forms W23*.
Identifiers: ClinVar variation 2500898 (VCV002500898.1), dbSNP rs2546241222, ClinGen allele CA358165306.
Genomic context (GRCh38, chr4:127,957,587, plus strand): 5'-TATAAAATCCTAATAGATCTCCATCGGCTCTTATAATGCTCTTCAGTCTCTAAAATGTCC[C>T]ATTCTCTAGGTGTAAAGAAGAAAAAAGTAGTATAAATTTATCTCATTACATGTGGATCTT-3'

ClinVar aggregate classification (germline): Likely pathogenic (1 of 4 stars; one submission).

Conditions:
Neuronal ceroid lipofuscinosis 7 (CLN7). Also called: MFSD8-Related Neuronal Ceroid-Lipofuscinosis. Identifiers: Orphanet 168491, Orphanet 228366, MedGen C1838571, MONDO:0012588, OMIM 610951.

Submission:

Broad Center for Mendelian Genomics, Broad Institute of MIT and Harvard
Classification: Likely pathogenic for Neuronal ceroid lipofuscinosis 7. Last evaluated: 2023-05-02. Review status: criteria provided, single submitter. Criteria: ACMG Guidelines, 2015. Collection method: curation. Allele origin: germline. Inheritance: Autosomal recessive inheritance.
Comment: The p.Trp23Ter variant in MFSD8 has not been previously reported in individuals with neuronal ceroid lipofuscinosis 7. This variant was absent from large population studies. This nonsense variant leads to a premature termination codon at position 23, which is predicted to lead to a truncated or absent protein. Loss of function of the MFSD8 gene is an established disease mechanism in autosomal recessive neuronal ceroid lipofuscinosis 7. In summary, although additional studies are required to fully establish its clinical significance, this variant is likely pathogenic for autosomal recessive neuronal ceroid lipofuscinosis 7. ACMG/AMP Criteria applied: PVS1, PM2_Supporting (Richards 2015).